The following is an entry in ClinVar:

ClinVar aggregate classification (germline): Uncertain significance (1 of 4 stars; one submission).

Conditions:
Inborn genetic diseases. Identifiers: MedGen C0950123, MeSH D030342.

Submission:

Ambry Genetics
Classification: Uncertain significance for Inborn genetic diseases. Last evaluated: 2026-07-06. Review status: criteria provided, single submitter. Criteria: Ambry Variant Classification Scheme 2023. Collection method: clinical testing. Allele origin: germline.
Comment: The p.H308Q variant (also known as c.924T>A), located in coding exon 5 of the ETV6 gene, results from a T to A substitution at nucleotide position 924. The histidine at codon 308 is replaced by glutamine, an amino acid with highly similar properties. This amino acid position is conserved. In addition, this alteration is predicted to be tolerated by in silico analysis. Based on the available evidence, the clinical significance of this variant remains unclear.

NM_001987.5(ETV6):c.924T>A (p.His308Gln)

Gene: ETV6 (ETS variant transcription factor 6; plus strand). Cytogenetic location: 12p13.2.
Variant type: single nucleotide variant.
Coding change: c.924T>A on transcript NM_001987.5 (MANE Select); coding-DNA position 924, T replaced by A.
Protein change: p.His308Gln; replaces histidine 308 with glutamine.
Molecular consequence: missense variant.
Genome position (GRCh38, 1-based): chr12:11,869,884, T>A. VCF-style: chr12-11869884-T-A. GRCh37 (hg19) VCF-style: chr12-12022818-T-A.
Other names: c.921T>A, p.His307Gln (NM_001413913.1); c.897T>A, p.His299Gln (NM_001413914.1); c.660T>A, p.His220Gln (NM_001413915.1); c.924T>A, p.His308Gln (NM_001413916.1, NM_001413917.1); short protein forms H299Q, H307Q, H308Q, H220Q.
Identifiers: ClinVar variation 5036176 (VCV005036176.1).
Genomic context (GRCh38, chr12:11,869,884, plus strand): 5'-ACAGTCCAGGCTCTCCGAGGACGGGCTGCATAGGGAAGGGAAGCCCATCAACCTCTCTCA[T>A]CGGGAAGACCTGGCTTACATGAACCACATCATGGTCTCTGTCTCCCCGCCTGAAGAGCAC-3'
Protein context (NP_001978.1, residues 298-318): HREGKPINLS[His308Gln]REDLAYMNHI